The following is an entry in ClinVar:

ClinVar aggregate classification (germline): Uncertain significance (1 of 4 stars; one submission).

Conditions:
Arrhythmogenic right ventricular dysplasia 11. Also called: ARRHYTHMOGENIC RIGHT VENTRICULAR DYSPLASIA, FAMILIAL, 11; Arrhythmogenic Right Ventricular Dysplasia/Cardiomyopathy11; Arrhythmogenic right ventricular dysplasia 11 with mild palmoplantar keratoderma and woolly hair. Identifiers: MedGen C1864850, MONDO:0012506, OMIM 610476.

Submission:

Labcorp Genetics (formerly Invitae), Labcorp
Classification: Uncertain significance for Arrhythmogenic right ventricular dysplasia 11. Last evaluated: 2025-08-14. Review status: criteria provided, single submitter. Criteria: Invitae Variant Classification Sherloc (09022015). Collection method: clinical testing. Allele origin: germline.
Comment: This sequence change replaces glycine, which is neutral and non-polar, with alanine, which is neutral and non-polar, at codon 755 of the DSC2 protein (p.Gly755Ala). This variant is not present in population databases (gnomAD no frequency). This variant has not been reported in the literature in individuals affected with DSC2-related conditions. Invitae Evidence Modeling of protein sequence and biophysical properties (such as structural, functional, and spatial information, amino acid conservation, physicochemical variation, residue mobility, and thermodynamic stability) indicates that this missense variant is not expected to disrupt DSC2 protein function with a negative predictive value of 80%. In summary, the available evidence is currently insufficient to determine the role of this variant in disease. Therefore, it has been classified as a Variant of Uncertain Significance.

NM_024422.6(DSC2):c.2264G>C (p.Gly755Ala)

Gene: DSC2 (desmocollin 2; minus strand). Cytogenetic location: 18q12.1.
Variant type: single nucleotide variant.
Coding change: c.2264G>C on transcript NM_024422.6 (MANE Select); coding-DNA position 2264, G replaced by C.
Protein change: p.Gly755Ala; replaces glycine 755 with alanine.
Molecular consequence: missense variant.
Genome position (GRCh38, 1-based): chr18:31,069,138, C>G on the plus strand (G>C on the coding strand, the complement: DSC2 is on the minus strand). VCF-style: chr18-31069138-C-G. GRCh37 (hg19) VCF-style: chr18-28649104-C-G.
Other names: c.1835G>C, p.Gly612Ala (NM_001406506.1, NM_001406507.1); c.2264G>C, p.Gly755Ala (NM_004949.5); short protein forms G612A, G755A.
Identifiers: ClinVar variation 4768686 (VCV004768686.1).